The following is an entry in ClinVar:

NM_138295.5(PKD1L1):c.2229G>A (p.Pro743=)

Gene: PKD1L1 (polycystin 1 like 1, transient receptor potential channel interacting; minus strand). Cytogenetic location: 7p12.3.
Variant type: single nucleotide variant.
Coding change: c.2229G>A on transcript NM_138295.5 (MANE Select); coding-DNA position 2229, G replaced by A.
Protein change: p.Pro743=; no amino-acid change (proline 743 retained).
Molecular consequence: synonymous variant.
Genome position (GRCh38, 1-based): chr7:47,898,030, C>T on the plus strand (G>A on the coding strand, the complement: PKD1L1 is on the minus strand). VCF-style: chr7-47898030-C-T. GRCh37 (hg19) VCF-style: chr7-47937627-C-T.
Identifiers: ClinVar variation 4996453 (VCV004996453.1).
Genomic context (GRCh38, chr7:47,898,030, plus strand): 5'-GTAAGTCAGCCAGCTGACCTTGGCAAGGGCAGTGTAGTTCCCATACTCCAAGGTGTGGCT[C>T]GGGAGGATGAGGGTCTGTCTGTGAGTGTCCACAGCAGCAGGGAGGGAGACAGGGAGCCCT-3'
Protein context (NP_612152.1, residues 733-753): VDTHRQTLIL[Pro743=]SHTLEYGNYT

ClinVar aggregate classification (germline): Likely benign (1 of 4 stars; one submission).

Conditions:
PKD1L1-related disorder. Also called: PKD1L1-related condition.

gnomAD v4.1: 65 of 1,613,026 alleles (0.004%); highest among the groups gnomAD compares: Admixed American, 0.027%; no homozygotes.

Submission:

PreventionGenetics, part of Exact Sciences
Classification: Likely benign for PKD1L1-related condition. Last evaluated: 2024-12-27. Review status: criteria provided, single submitter. Criteria: ACMG Guidelines, 2015. Collection method: clinical testing. Allele origin: germline.
Comment: This variant is classified as likely benign based on ACMG/AMP sequence variant interpretation guidelines (Richards et al. 2015 PMID: 25741868, with internal and published modifications).